The following is an entry in ClinVar:

ClinVar aggregate classification (germline): Pathogenic. Review status: criteria provided, multiple submitters, no conflicts (2 of 4 stars). 2 submissions from 2 submitters: Pathogenic (2). Last evaluated 2025-06-27.

Conditions:
Primary ciliary dyskinesia. Also called: Ciliary dyskinesia. Identifiers: Orphanet 244, MedGen C0008780, MONDO:0016575, HP:0012265.
Primary ciliary dyskinesia 15. Also called: CILIARY DYSKINESIA, PRIMARY, 15, WITH OR WITHOUT SITUS INVERSUS. Identifiers: Orphanet 244, MedGen C3151137, MONDO:0013435, OMIM 613808.

Submissions (2):

Labcorp Genetics (formerly Invitae), Labcorp
Classification: Pathogenic for Primary ciliary dyskinesia. Last evaluated: 2025-06-27. Review status: criteria provided, single submitter. Criteria: Invitae Variant Classification Sherloc (09022015). Collection method: clinical testing. Allele origin: germline.
Comment: This sequence change creates a premature translational stop signal (p.Ile1002Asnfs*10) in the CCDC40 gene. It is expected to result in an absent or disrupted protein product. Loss-of-function variants in CCDC40 are known to be pathogenic (PMID: 21131974, 22693285, 23255504). This variant is present in population databases (no rsID available, gnomAD 0.003%). This variant has not been reported in the literature in individuals affected with CCDC40-related conditions. ClinVar contains an entry for this variant (Variation ID: 661903). For these reasons, this variant has been classified as Pathogenic.

Baylor Genetics
Classification: Pathogenic for Primary ciliary dyskinesia 15. Last evaluated: 2018-11-29. Review status: criteria provided, single submitter. Criteria: ACMG Guidelines, 2015. Collection method: clinical testing. Allele origin: maternal. Affected: yes.
Comment: This variant was determined to be pathogenic according to ACMG Guidelines, 2015 [PMID:25741868].

Literature cited by the submitters: PubMed 21131974 (cited by Labcorp Genetics (formerly Invitae), Labcorp); PubMed 22693285 (cited by Labcorp Genetics (formerly Invitae), Labcorp); PubMed 23255504 (cited by Labcorp Genetics (formerly Invitae), Labcorp).

NM_017950.4(CCDC40):c.3004dup (p.Ile1002fs)

Gene: CCDC40 (coiled-coil domain 40 molecular ruler complex subunit; plus strand). Cytogenetic location: 17q25.3.
Variant type: Duplication.
Coding change: c.3004dup on transcript NM_017950.4 (MANE Select); coding-DNA position 3004, one base duplicated (A; older notation c.3004dupA).
Protein change: p.Ile1002fs; shifts the reading frame from isoleucine 1002.
Molecular consequence: frameshift variant.
Genome position (GRCh38, 1-based): chr17:80,095,434, A duplicated; the last of 4 consecutive A bases (chr17:80,095,431-80,095,434); duplicating any one gives the same sequence. VCF-style (leftmost placement, unchanged base first): chr17-80095430-G-GA. GRCh37 (hg19) VCF-style: chr17-78069229-G-GA.
Other names: c.3004dupA (NM_017950.3); short protein forms I1002fs.
Identifiers: ClinVar variation 661903 (VCV000661903.8), dbSNP rs1278589861, ClinGen allele CA628018542.
Genomic context (GRCh38, chr17:80,095,430, plus strand): 5'-GATGGACAGGAAGGCGCTCACCCGCACCGACTTCCACCACAAGCAGCTTGAGCTGCGCCG[G>GA]AAAATCAGGGACGTTCGCAAGGTAGGGAGCAGCGGAAAGGAAACAGGGCGCCTGCTCCTC-3'